The following is an entry in ClinVar:

NM_001164508.2(NEB):c.2234A>G (p.Asp745Gly)

Gene: NEB (nebulin; minus strand). Cytogenetic location: 2q23.3.
Variant type: single nucleotide variant.
Coding change: c.2234A>G on transcript NM_001164508.2 (MANE Select); coding-DNA position 2234, A replaced by G.
Protein change: p.Asp745Gly; replaces aspartic acid 745 with glycine.
Molecular consequence: missense variant.
Genome position (GRCh38, 1-based): chr2:151,690,803, T>C on the plus strand (A>G on the coding strand, the complement: NEB is on the minus strand). VCF-style: chr2-151690803-T-C. GRCh37 (hg19) VCF-style: chr2-152547317-T-C.
Other names: c.2234A>G, p.Asp745Gly (NM_001164507.2, NM_001271208.2, NM_004543.5); short protein forms D745G.
Identifiers: ClinVar variation 851904 (VCV000851904.13), dbSNP rs1436329266, ClinGen allele CA348823461.

ClinVar aggregate classification (germline): Uncertain significance. Review status: criteria provided, single submitter (1 of 4 stars). 2 submissions from 2 submitters: Uncertain significance (1). 1 of the submissions does not count toward it. Last evaluated 2022-09-07.

Conditions:
Nemaline myopathy 2 (NEM2). Also called: Nemaline myopathy 2, autosomal recessive. Identifiers: MedGen C1850569, MONDO:0009725, OMIM 256030.

Allele frequency attached by ClinVar (database versions not stated): TOPMed below 0.00001.

Submissions (2):

Labcorp Genetics (formerly Invitae), Labcorp
Classification: Uncertain significance for Nemaline myopathy 2. Last evaluated: 2022-09-07. Review status: criteria provided, single submitter. Criteria: Invitae Variant Classification Sherloc (09022015). Collection method: clinical testing. Allele origin: germline.
Comment: This sequence change replaces aspartic acid, which is acidic and polar, with glycine, which is neutral and non-polar, at codon 745 of the NEB protein (p.Asp745Gly). This variant is not present in population databases (gnomAD no frequency). This variant has not been reported in the literature in individuals affected with NEB-related conditions. ClinVar contains an entry for this variant (Variation ID: 851904). Algorithms developed to predict the effect of missense changes on protein structure and function are either unavailable or do not agree on the potential impact of this missense change (SIFT: "Deleterious"; PolyPhen-2: "Not Available"; Align-GVGD: "Class C0"). Algorithms developed to predict the effect of sequence changes on RNA splicing suggest that this variant may create or strengthen a splice site. In summary, the available evidence is currently insufficient to determine the role of this variant in disease. Therefore, it has been classified as a Variant of Uncertain Significance.

Natera, Inc.
Classification: Uncertain significance for Nemaline myopathy type 2. Last evaluated: 2020-07-07. Review status: no assertion criteria provided. Collection method: clinical testing. Allele origin: germline. Not counted in ClinVar's aggregate classification.